The following is an entry in ClinVar:

NM_032436.4(CHAMP1):c.1559_1560del (p.Ser520fs)

Gene: CHAMP1 (chromosome alignment maintaining phosphoprotein 1; plus strand). Cytogenetic location: 13q34.
Variant type: Microsatellite.
Coding change: c.1559_1560del on transcript NM_032436.4 (MANE Select); coding-DNA positions 1559 to 1560, 2 bases deleted (CT; older notation c.1559_1560delCT).
Protein change: p.Ser520fs; shifts the reading frame from serine 520.
Molecular consequence: frameshift variant.
Genome position (GRCh38, 1-based): chr13:114,325,401-114,325,402, CT deleted; deleting any 2 consecutive bases within chr13:114,325,396-114,325,402 gives the same sequence; the c. name uses the placement nearest the transcript's 3' end. VCF-style (leftmost placement, unchanged base first): chr13-114325395-TTC-T. GRCh37 (hg19) VCF-style: chr13-115090870-TTC-T.
Other names: c.1559_1560del, p.Ser520fs (NM_001164144.3, NM_001164145.3); c.1559_1560del (NM_032436.2); short protein forms S520fs.
Identifiers: ClinVar variation 985766 (VCV000985766.4), dbSNP rs2087233948, ClinGen allele CA2120749104.

ClinVar aggregate classification (germline): Pathogenic. Review status: criteria provided, multiple submitters, no conflicts (2 of 4 stars). 2 submissions from 2 submitters: Pathogenic (2). Last evaluated 2021-07-02.

Conditions:
Intellectual disability. Also called: Intellectual functioning disability; intellectual disabilities; Intellectual developmental disorder. Identifiers: MedGen C3714756, MeSH D008607, MONDO:0001071, HP:0001249.
Inborn genetic diseases. Identifiers: MedGen C0950123, MeSH D030342.

Submissions (2):

Cytogénomique, Hospices Civils de Lyon
Classification: Pathogenic for Intellectual disability. Last evaluated: 2021-07-02. Review status: criteria provided, single submitter. Criteria: ACMG Guidelines, 2015. Collection method: clinical testing. Allele origin: de novo. Inheritance: Sporadic. Affected: yes. Observed: 1 variant allele, 1 heterozygote.
Comment: de novo frameshift absent from gnomAD

Ambry Genetics
Classification: Pathogenic for Inborn genetic diseases. Last evaluated: 2018-05-03. Review status: criteria provided, single submitter. Criteria: Ambry exome assertion method (8-5-2015). Collection method: clinical testing. Allele origin: germline. Affected: yes. Observed: 1 variant allele.